The following is an entry in ClinVar:

ClinVar aggregate classification (germline): Uncertain significance (1 of 4 stars; one submission).

Conditions:
Myopathy, centronuclear, 2 (CNM2). Also called: MYOTUBULAR MYOPATHY, AUTOSOMAL RECESSIVE. Identifiers: Orphanet 169186, MedGen CN031787, MONDO:0009709, OMIM 255200.

Allele frequency attached by ClinVar (database versions not stated): gnomAD exomes below 0.00001 and 0.00002; TOPMed below 0.00001; ExAC 0.00001; gnomAD 0.00001.

Submission:

Labcorp Genetics (formerly Invitae), Labcorp
Classification: Uncertain significance for Myopathy, centronuclear, 2. Last evaluated: 2022-07-19. Review status: criteria provided, single submitter. Criteria: Invitae Variant Classification Sherloc (09022015). Collection method: clinical testing. Allele origin: germline.
Comment: In summary, the available evidence is currently insufficient to determine the role of this variant in disease. Therefore, it has been classified as a Variant of Uncertain Significance. Algorithms developed to predict the effect of missense changes on protein structure and function (SIFT, PolyPhen-2, Align-GVGD) all suggest that this variant is likely to be tolerated. ClinVar contains an entry for this variant (Variation ID: 1517885). This variant has not been reported in the literature in individuals affected with BIN1-related conditions. This variant is present in population databases (rs755351031, gnomAD 0.007%). This sequence change replaces glycine, which is neutral and non-polar, with glutamic acid, which is acidic and polar, at codon 513 of the BIN1 protein (p.Gly513Glu).

NM_139343.3(BIN1):c.1538G>A (p.Gly513Glu)

Gene: BIN1 (bridging integrator 1; minus strand). Cytogenetic location: 2q14.3.
Variant type: single nucleotide variant.
Coding change: c.1538G>A on transcript NM_139343.3 (MANE Select); coding-DNA position 1538, G replaced by A.
Protein change: p.Gly513Glu; replaces glycine 513 with glutamic acid.
Molecular consequence: missense variant.
Genome position (GRCh38, 1-based): chr2:127,050,836, C>T on the plus strand (G>A on the coding strand, the complement: BIN1 is on the minus strand). VCF-style: chr2-127050836-C-T. GRCh37 (hg19) VCF-style: chr2-127808412-C-T.
Other names: c.1031G>A, p.Gly344Glu (NM_001320632.2); c.1169G>A, p.Gly390Glu (NM_001320633.2); c.914G>A, p.Gly305Glu (NM_001320634.1); c.1298G>A, p.Gly433Glu (NM_001320640.2); c.1445G>A, p.Gly482Glu (NM_001320641.2); c.1457G>A, p.Gly486Glu (NM_001320642.1); c.1121G>A, p.Gly374Glu (NM_004305.4); c.1409G>A, p.Gly470Glu (NM_139344.3); and 7 more; short protein forms G305E, G329E, G374E, G402E, G482E, G513E, G390E, G426E.
Identifiers: ClinVar variation 1517885 (VCV001517885.8), dbSNP rs755351031, ClinGen allele CA1857009.